The following is an entry in ClinVar:

ClinVar aggregate classification (germline): Uncertain significance (1 of 4 stars; one submission).

Conditions:
Malignant hyperthermia, susceptibility to, 1 (MHS1). Also called: Anesthesia related hyperthermia; Malignant hyperpyrexia; Fulminating hyperpyrexia; Pharmacogenic myopathy; RYR1-Related Malignant Hyperthermia Susceptibility; Malignant hyperthermia suceptibility 1. Identifiers: Orphanet 423, MedGen C2930980, MONDO:0007783, OMIM 145600.

Allele frequency attached by ClinVar (database versions not stated): gnomAD exomes below 0.00001.
gnomAD v4.1: 2 of 1,606,458 alleles (0.00012%); highest among the groups gnomAD compares: African/African-American, 0.0027%; no homozygotes.

Submission:

All of Us Research Program, National Institutes of Health
Classification: Uncertain significance for Malignant hyperthermia, susceptibility to, 1. Last evaluated: 2023-10-23. Review status: criteria provided, single submitter. Criteria: ACMG Guidelines, 2015. Collection method: clinical testing. Allele origin: germline. Inheritance: Autosomal dominant inheritance. Observed: 3 variant alleles, 3 heterozygotes.
Comment: This variant is located in the RYR1 protein. To our knowledge, functional studies have not been reported for this variant. This variant has not been reported in individuals affected with RYR1-related disorders in the literature. This variant has not been identified in the general population by the Genome Aggregation Database (gnomAD). The available evidence is insufficient to determine the role of this variant in disease conclusively. Therefore, this variant is classified as a Variant of Uncertain Significance.

This study involves interpretation of variants in research participants for the purpose of population health screening. Participant phenotype was not available at the time of variant classification. Additional details can be found in publication PMID: 35346344, PMCID: PMC8962531

NM_000540.3(RYR1):c.5655A>G (p.Glu1885=)

Gene: RYR1 (ryanodine receptor 1; plus strand). Cytogenetic location: 19q13.2.
Variant type: single nucleotide variant.
Coding change: c.5655A>G on transcript NM_000540.3 (MANE Select); coding-DNA position 5655, A replaced by G.
Protein change: p.Glu1885=; no amino-acid change (glutamic acid 1885 retained).
Molecular consequence: synonymous variant.
Genome position (GRCh38, 1-based): chr19:38,489,284, A>G. VCF-style: chr19-38489284-A-G. GRCh37 (hg19) VCF-style: chr19-38979924-A-G.
Other names: c.5655A>G, p.Glu1885= (NM_001042723.2).
Identifiers: ClinVar variation 3072218 (VCV003072218.1), dbSNP rs2514245955, ClinGen allele CA507353681.